The following is an entry in ClinVar:

NM_000141.5(FGFR2):c.1084+3A>G

Gene: FGFR2 (fibroblast growth factor receptor 2; minus strand). Cytogenetic location: 10q26.13.
Variant type: single nucleotide variant.
Coding change: c.1084+3A>G on transcript NM_000141.5 (MANE Select); 3 bases into the intron after coding-DNA position 1084, A replaced by G.
Molecular consequence: intron variant.
Genome position (GRCh38, 1-based): chr10:121,517,316, T>C on the plus strand (A>G on the coding strand, the complement: FGFR2 is on the minus strand). VCF-style: chr10-121517316-T-C. GRCh37 (hg19) VCF-style: chr10-123276830-T-C.
Other names: IVSDS, A-G, +3; c.749-1997A>G (NM_001144914.1); c.739+3A>G (NM_001144918.2, NM_001441091.1, NM_001441090.1 and 1 more transcripts); c.817+3A>G (NM_001441089.1, NM_023029.3, NM_001144915.2); c.820+1366A>G (NM_001441088.1, NM_001144919.2); c.939+2663A>G (NM_001144917.2); c.1084+3A>G (NM_001320658.2); c.1087+1366A>G (NM_001441087.1, NM_022970.4, NM_001144913.1); and 1 more.
Identifiers: ClinVar variation 13299 (VCV000013299.16), dbSNP rs879253721, ClinGen allele CA10575520.

ClinVar aggregate classification (germline): Pathogenic. Review status: criteria provided, multiple submitters, no conflicts (2 of 4 stars). 6 submissions from 5 submitters: Pathogenic (3). 3 of the submissions do not count toward it. Last evaluated 2025-11-25.

Conditions:
Acrocephalosyndactyly type I (ACS1). Also called: Apert syndrome; Acrocephalo-syndactyly type 1; ACS 1; Syndactylic oxycephaly. Identifiers: Orphanet 87, MedGen C0001193, MONDO:0007041, OMIM 101200.
Pfeiffer syndrome (ACS5). Also called: ACS V. Identifiers: Orphanet 710, MedGen C0220658, MONDO:0007043, OMIM 101600.
Crouzon syndrome. Also called: CRANIOFACIAL DYSOSTOSIS, TYPE I; Craniofacial dysostosis; Craniofacial dysostosis type 1; Crouzon craniofacial dysostosis; Crouzon disease. Identifiers: Orphanet 207, MedGen C0010273, MeSH D003394, MONDO:0007405, OMIM 123500, HP:0004439.
FGFR2-related craniosynostosis. Identifiers: MedGen CN231480.

Submissions (6):

Labcorp Genetics (formerly Invitae), Labcorp
Classification: Pathogenic for FGFR2-related craniosynostosis. Last evaluated: 2025-11-25. Review status: criteria provided, single submitter. Criteria: Invitae Variant Classification Sherloc (09022015). Collection method: clinical testing. Allele origin: germline.
Comment: This sequence change falls in intron 8 of the FGFR2 gene. It does not directly change the encoded amino acid sequence of the FGFR2 protein. It affects a nucleotide within the consensus splice site. This variant is not present in population databases (gnomAD no frequency). This variant has been observed in individual(s) with Crouzon syndrome and/or Pfeiffer syndrome (PMID: 10394936, 15286168). In at least one individual the variant was observed to be de novo. It has also been observed to segregate with disease in related individuals. ClinVar contains an entry for this variant (Variation ID: 13299). Variants that disrupt the consensus splice site are a relatively common cause of aberrant splicing (PMID: 17576681, 9536098). Algorithms developed to predict the effect of sequence changes on RNA splicing suggest that this variant may disrupt the consensus splice site. For these reasons, this variant has been classified as Pathogenic.

GeneDx
Classification: Pathogenic. Last evaluated: 2022-02-11. Review status: criteria provided, single submitter. Criteria: GeneDx Variant Classification Process June 2021. Collection method: clinical testing. Allele origin: germline. Affected: yes.
Comment: Published functional studies demonstrate this variant leads to activation of an upstream cryptic donor splice site resulting in an in-frame variant (Kan et al., 2004); Not observed at significant frequency in large population cohorts (gnomAD); In silico analysis supports a deleterious effect on splicing; This variant is associated with the following publications: (PMID: 10394936, 24127277, 15286168)

Genetic Services Laboratory, University of Chicago
Classification: Pathogenic for Pfeiffer syndrome. Last evaluated: 2016-07-15. Review status: criteria provided, single submitter. Criteria: ACMG Guidelines, 2015. Collection method: clinical testing. Allele origin: germline. Affected: yes.

Clinical Genomics Laboratory, Stanford Medicine
Classification: Likely pathogenic for Crouzon syndrome; Pfeiffer syndrome; Acrocephalosyndactyly type I. Last evaluated: 2020-03-03. Review status: no assertion criteria provided. Collection method: clinical testing. Allele origin: germline. Affected: yes. Not counted in ClinVar's aggregate classification.
Comment: The c.1084+3A>G variant (also described as NM_022970.3:c.1087+1366A>G) in the FGFR2 gene has been previously reported in two unrelated individuals with Crouzon syndrome and one individual with Pfeiffer syndrome (Cornejo-Roldan et al., 1999; Roscioli et al., 2013; Apra et al., 2016). Additionally, this variant co-segregated with disease in four affected relatives from one family. Only one of the affected family members had a known history of craniosynostosis while the remaining three had characteristic facial features including exorbitism (Kan et al., 2004). The c.1084+3A>G variant was absent from large population databases, including the Genome Aggregation Database. The c.1084+3A>G variant is thought to activate a cryptic splice site and functional studies of this variant show aberrant splicing with two abnormal splice products present in patient cells (Kan et al., 2004). These data were assessed using the ACMG/AMP variant interpretation guidelines. In summary, there is sufficient evidence to classify the c.1084+3A>G variant as likely pathogenic for FGFR2-related craniosynostosis in an autosomal dominant manner based on the information above. [ACMG evidence codes used: PS2_Strong; PM2; PM4; PP1_Supporting]

OMIM
Classification: Pathogenic for PFEIFFER SYNDROME. Last evaluated: 2004-08-01. Review status: no assertion criteria provided. Collection method: literature only. Allele origin: germline. Not counted in ClinVar's aggregate classification.

OMIM
Classification: Pathogenic for CROUZON SYNDROME. Last evaluated: 2004-08-01. Review status: no assertion criteria provided. Collection method: literature only. Allele origin: germline. Not counted in ClinVar's aggregate classification.

Literature cited by the submitters: PubMed 10394936 (cited by Labcorp Genetics (formerly Invitae), Labcorp and OMIM); PubMed 15286168 (cited by Labcorp Genetics (formerly Invitae), Labcorp and OMIM); PubMed 17576681 (cited by Labcorp Genetics (formerly Invitae), Labcorp); PubMed 9536098 (cited by Labcorp Genetics (formerly Invitae), Labcorp).